The following is an entry in ClinVar:

ClinVar aggregate classification (germline): Pathogenic (1 of 4 stars; one submission).

Conditions:
Familial thoracic aortic aneurysm and aortic dissection (TAAD). Also called: Thoracic aortic aneurysms and dissections. Identifiers: Orphanet 91387, MedGen C4707243, MONDO:0019625.

Submission:

Ambry Genetics
Classification: Pathogenic for Familial thoracic aortic aneurysm and aortic dissection. Last evaluated: 2025-02-13. Review status: criteria provided, single submitter. Criteria: Ambry Variant Classification Scheme 2023. Collection method: clinical testing. Allele origin: germline.
Comment: The p.E347* pathogenic mutation (also known as c.1039G>T), located in coding exon 8 of the SMAD3 gene, results from a G to T substitution at nucleotide position 1039. This changes the amino acid from a glutamic acid to a stop codon within coding exon 8. This variant is considered to be rare based on population cohorts in the Genome Aggregation Database (gnomAD). This alteration is expected to result in loss of function by premature protein truncation or nonsense-mediated mRNA decay. As such, this alteration is interpreted as a disease-causing mutation.

NM_005902.4(SMAD3):c.1039G>T (p.Glu347Ter)

Gene: SMAD3 (SMAD family member 3; plus strand). Cytogenetic location: 15q22.33.
Variant type: single nucleotide variant.
Coding change: c.1039G>T on transcript NM_005902.4 (MANE Select); coding-DNA position 1039, G replaced by T.
Protein change: p.Glu347Ter; replaces glutamic acid 347 with a stop codon.
Molecular consequence: nonsense.
Genome position (GRCh38, 1-based): chr15:67,187,394, G>T. VCF-style: chr15-67187394-G-T. GRCh37 (hg19) VCF-style: chr15-67479732-G-T.
Other names: c.724G>T, p.Glu242Ter (NM_001145102.2, NM_001407016.1); c.907G>T, p.Glu303Ter (NM_001145103.2, NM_001407012.1); c.454G>T, p.Glu152Ter (NM_001145104.2, NM_001407017.1); c.1150G>T, p.Glu384Ter (NM_001407011.1); c.901G>T, p.Glu301Ter (NM_001407013.1); c.892G>T, p.Glu298Ter (NM_001407014.1); c.592G>T, p.Glu198Ter (NM_001407015.1); short protein forms E242*, E298*, E301*, E152*, E198*, E303*, E347*, E384*.
Identifiers: ClinVar variation 3798797 (VCV003798797.1).